The following is an entry in ClinVar:

NM_004369.4(COL6A3):c.8782G>A (p.Ala2928Thr)

Gene: COL6A3 (collagen type VI alpha 3 chain; minus strand). Cytogenetic location: 2q37.3.
Variant type: single nucleotide variant.
Coding change: c.8782G>A on transcript NM_004369.4 (MANE Select); coding-DNA position 8782, G replaced by A.
Protein change: p.Ala2928Thr; replaces alanine 2928 with threonine.
Molecular consequence: missense variant.
Genome position (GRCh38, 1-based): chr2:237,336,318, C>T on the plus strand (G>A on the coding strand, the complement: COL6A3 is on the minus strand). VCF-style: chr2-237336318-C-T. GRCh37 (hg19) VCF-style: chr2-238244961-C-T.
Other names: c.6961G>A, p.Ala2321Thr (NM_057166.5); c.8164G>A, p.Ala2722Thr (NM_057167.4); short protein forms A2321T, A2722T, A2928T.
Identifiers: ClinVar variation 1806554 (VCV001806554.3), dbSNP rs2469792251, ClinGen allele CA351191593.
Genomic context (GRCh38, chr2:237,336,318, plus strand): 5'-TTGCTGCTACAGGCTTCGCTGCCGTTGCTGGCTTCACCGCCACTGGGGGTCTAACAGTGG[C>T]CATCTTTGTGGCCACAGGCTTGGCAGCCACAGGTTTCGCAGGGGCCGGCTTTGCAGCGGC-3'
Protein context (NP_004360.2, residues 2918-2938): VAAKPVATKM[Ala2928Thr]TVRPPVAVKP

ClinVar aggregate classification (germline): Uncertain significance. Review status: criteria provided, multiple submitters, no conflicts (2 of 4 stars). 2 submissions from 2 submitters: Uncertain significance (2). Last evaluated 2024-08-12.

Conditions:
Bethlem myopathy 1A. Also called: Bethlem myopathy 1; MYOPATHY, BENIGN CONGENITAL, WITH CONTRACTURES; Bethlem Muscular Dystrophy. Identifiers: Orphanet 610, MedGen CN029274, MONDO:0024530, OMIM 158810.

Allele frequency attached by ClinVar (database versions not stated): gnomAD exomes below 0.00001.
gnomAD v4.1: 1 of 1,613,354 alleles (0.000062%); highest among the groups gnomAD compares: Non-Finnish European, 0.000085%; no homozygotes.

Submissions (2):

Labcorp Genetics (formerly Invitae), Labcorp
Classification: Uncertain significance for Bethlem myopathy 1A. Last evaluated: 2024-08-12. Review status: criteria provided, single submitter. Criteria: Invitae Variant Classification Sherloc (09022015). Collection method: clinical testing. Allele origin: germline.
Comment: This sequence change replaces alanine, which is neutral and non-polar, with threonine, which is neutral and polar, at codon 2928 of the COL6A3 protein (p.Ala2928Thr). This variant is not present in population databases (gnomAD no frequency). This variant has not been reported in the literature in individuals affected with COL6A3-related conditions. ClinVar contains an entry for this variant (Variation ID: 1806554). Advanced modeling of protein sequence and biophysical properties (such as structural, functional, and spatial information, amino acid conservation, physicochemical variation, residue mobility, and thermodynamic stability) performed at Invitae indicates that this missense variant is not expected to disrupt COL6A3 protein function with a negative predictive value of 95%. In summary, the available evidence is currently insufficient to determine the role of this variant in disease. Therefore, it has been classified as a Variant of Uncertain Significance.

GeneDx
Classification: Uncertain significance. Last evaluated: 2022-06-17. Review status: criteria provided, single submitter. Criteria: GeneDx Variant Classification Process June 2021. Collection method: clinical testing. Allele origin: germline. Affected: yes.
Comment: Not observed at significant frequency in large population cohorts (gnomAD); In silico analysis supports that this missense variant does not alter protein structure/function; Has not been previously published as pathogenic or benign to our knowledge